The following is an entry in ClinVar:

NM_000572.3(IL10):c.529C>T (p.Arg177Ter)

Gene: IL10 (interleukin 10; minus strand). Cytogenetic location: 1q32.1.
Variant type: single nucleotide variant.
Coding change: c.529C>T on transcript NM_000572.3 (MANE Select); coding-DNA position 529, C replaced by T.
Protein change: p.Arg177Ter; replaces arginine 177 with a stop codon.
Molecular consequence: nonsense. On other transcripts: non-coding transcript variant (2).
Genome position (GRCh38, 1-based): chr1:206,768,644, G>A on the plus strand (C>T on the coding strand, the complement: IL10 is on the minus strand). VCF-style: chr1-206768644-G-A. GRCh37 (hg19) VCF-style: chr1-206941989-G-A.
Other names: c.274C>T, p.Arg92Ter (NM_001382624.1); short protein forms R92*, R177*.
Identifiers: ClinVar variation 1917191 (VCV001917191.3), dbSNP rs142726516, ClinGen allele CA1363722.

ClinVar aggregate classification (germline): Uncertain significance. Review status: criteria provided, multiple submitters, no conflicts (2 of 4 stars). 2 submissions from 2 submitters: Uncertain significance (2). Last evaluated 2022-07-09.

Conditions:
Inflammatory bowel disease. Identifiers: Orphanet 104012, MedGen C0021390, MONDO:0005265.

Allele frequency attached by ClinVar (database versions not stated): gnomAD 0.00002; TOPMed 0.00004; ESP Exome Variant Server 0.00008.
gnomAD v4.1: 6 of 1,589,440 alleles (0.00038%); highest among the groups gnomAD compares: Admixed American, 0.0033%; no homozygotes.

Submissions (2):

Labcorp Genetics (formerly Invitae), Labcorp
Classification: Uncertain significance for Inflammatory bowel disease. Last evaluated: 2022-07-09. Review status: criteria provided, single submitter. Criteria: Invitae Variant Classification Sherloc (09022015). Collection method: clinical testing. Allele origin: germline.
Comment: This sequence change creates a premature translational stop signal (p.Arg177*) in the IL10 gene. While this is not anticipated to result in nonsense mediated decay, it is expected to disrupt the last 2 amino acid(s) of the IL10 protein. This variant is present in population databases (rs142726516, gnomAD 0.006%). This variant has not been reported in the literature in individuals affected with IL10-related conditions. Experimental studies and prediction algorithms are not available or were not evaluated, and the functional significance of this variant is currently unknown. In summary, the available evidence is currently insufficient to determine the role of this variant in disease. Therefore, it has been classified as a Variant of Uncertain Significance.

Blueprint Genetics
Classification: Uncertain significance. Last evaluated: 2020-09-22. Review status: criteria provided, single submitter. Criteria: ACMG Guidelines, 2015. Collection method: clinical testing. Allele origin: germline.